The following is an entry in ClinVar:

NM_001999.4(FBN2):c.4983C>T (p.Cys1661=)

Gene: FBN2 (fibrillin 2; minus strand). Cytogenetic location: 5q23.3.
Variant type: single nucleotide variant.
Coding change: c.4983C>T on transcript NM_001999.4 (MANE Select); coding-DNA position 4983, C replaced by T.
Protein change: p.Cys1661=; no amino-acid change (cysteine 1661 retained).
Molecular consequence: synonymous variant.
Genome position (GRCh38, 1-based): chr5:128,311,391, G>A on the plus strand (C>T on the coding strand, the complement: FBN2 is on the minus strand). VCF-style: chr5-128311391-G-A. GRCh37 (hg19) VCF-style: chr5-127647083-G-A.
Other names: p.C1661C:TGC>TGT; p.Cys1661=.
Identifiers: ClinVar variation 137336 (VCV000137336.72), dbSNP rs143907156, ClinGen allele CA290880.

ClinVar aggregate classification (germline): Benign/Likely benign. Review status: criteria provided, multiple submitters, no conflicts (2 of 4 stars). 12 submissions from 12 submitters: Benign (3); Likely benign (7). 2 of the submissions do not count toward it. Last evaluated 2025-12-26.

Conditions:
Familial thoracic aortic aneurysm and aortic dissection (TAAD). Also called: Thoracic aortic aneurysms and dissections. Identifiers: Orphanet 91387, MedGen C4707243, MONDO:0019625.
Congenital contractural arachnodactyly (CCA). Also called: BEALS SYNDROME; Beals-Hecht syndrome; Arthrogryposis, distal, type 9. Identifiers: Orphanet 115, MedGen C0220668, MONDO:0007363, OMIM 121050.

Allele frequency attached by ClinVar (database versions not stated): ExAC 0.00021; gnomAD exomes 0.00026 and 0.00055; TOPMed 0.00027; gnomAD 0.00033 and 0.00034; ESP Exome Variant Server 0.00038; 1000 Genomes Project 0.00040; 1000 Genomes Project 30x 0.00047.
gnomAD v4.1: 845 of 1,613,976 alleles (0.052%); highest among the groups gnomAD compares: Non-Finnish European, 0.067%; no homozygotes.

Submissions (12):

Labcorp Genetics (formerly Invitae), Labcorp
Classification: Likely benign for Congenital contractural arachnodactyly. Last evaluated: 2025-12-26. Review status: criteria provided, single submitter. Criteria: Invitae Variant Classification Sherloc (09022015). Collection method: clinical testing. Allele origin: germline.

Mayo Clinic Laboratories, Mayo Clinic
Classification: Likely benign. Last evaluated: 2024-12-30. Review status: criteria provided, single submitter. Criteria: ACMG Guidelines, 2015. Collection method: clinical testing. Allele origin: germline. Observed: 1 variant allele.
Comment: BS1, BP4, BP7

Blueprint Genetics
Classification: Likely benign. Last evaluated: 2024-10-15. Review status: criteria provided, single submitter. Criteria: ACMG Guidelines, 2015. Collection method: clinical testing. Allele origin: germline.

Women's Health and Genetics/Laboratory Corporation of America, LabCorp
Classification: Benign. Last evaluated: 2024-08-27. Review status: criteria provided, single submitter. Criteria: LabCorp Variant Classification Summary - May 2015. Collection method: clinical testing. Allele origin: germline.

CeGaT Center for Human Genetics Tuebingen
Classification: Likely benign. Last evaluated: 2024-07-01. Review status: criteria provided, single submitter. Criteria: CeGaT Center For Human Genetics Tuebingen Variant Classification Criteria Version 2. Collection method: clinical testing. Allele origin: germline. Affected: yes. Observed: 3 variant alleles.
Comment: FBN2: BP4

ARUP Laboratories, Molecular Genetics and Genomics, ARUP Laboratories
Classification: Benign. Last evaluated: 2023-10-09. Review status: criteria provided, single submitter. Criteria: ARUP Molecular Germline Variant Investigation Process 2024. Collection method: clinical testing. Allele origin: germline.

Clinical Genetics DNA and cytogenetics Diagnostics Lab, Erasmus MC, Erasmus Medical Center
Classification: Likely benign for Congenital contractural arachnodactyly. Last evaluated: 2017-06-28. Review status: criteria provided, single submitter. Criteria: ACGS Guidelines, 2013. Collection method: clinical testing. Allele origin: germline. Affected: yes. Study: VKGL Data-share Consensus.

Ambry Genetics
Classification: Likely benign for Familial thoracic aortic aneurysm and aortic dissection. Last evaluated: 2014-12-17. Review status: criteria provided, single submitter. Criteria: Ambry Variant Classification Scheme 2023. Collection method: clinical testing. Allele origin: germline.

GeneDx
Classification: Benign. Last evaluated: 2014-01-11. Review status: criteria provided, single submitter. Criteria: GeneDx Variant Classification (06012015). Collection method: clinical testing. Allele origin: germline. Affected: yes.
Comment: This variant is considered likely benign or benign based on one or more of the following criteria: it is a conservative change, it occurs at a poorly conserved position in the protein, it is predicted to be benign by multiple in silico algorithms, and/or has population frequency not consistent with disease.

PreventionGenetics, part of Exact Sciences
Classification: Likely benign. Review status: criteria provided, single submitter. Criteria: ACMG Guidelines, 2015. Collection method: clinical testing. Allele origin: germline.

Genome Diagnostics Laboratory, Amsterdam University Medical Center
Classification: Likely benign for Congenital contractural arachnodactyly. Last evaluated: 2017-09-29. Review status: no assertion criteria provided. Criteria: ACGS Guidelines, 2013. Collection method: clinical testing. Allele origin: germline. Affected: yes. Study: VKGL Data-share Consensus. Not counted in ClinVar's aggregate classification.

Genome Diagnostics Laboratory, University Medical Center Utrecht
Classification: Likely benign. Review status: no assertion criteria provided. Collection method: clinical testing. Allele origin: germline. Affected: yes. Study: VKGL Data-share Consensus. Not counted in ClinVar's aggregate classification.